The following is an entry in ClinVar:

NM_004415.4(DSP):c.3276G>C (p.Ser1092=)

Gene: DSP (desmoplakin; plus strand). Cytogenetic location: 6p24.3.
Variant type: single nucleotide variant.
Coding change: c.3276G>C on transcript NM_004415.4 (MANE Select); coding-DNA position 3276, G replaced by C.
Protein change: p.Ser1092=; no amino-acid change (serine 1092 retained).
Molecular consequence: synonymous variant.
Genome position (GRCh38, 1-based): chr6:7,579,466, G>C. VCF-style: chr6-7579466-G-C. GRCh37 (hg19) VCF-style: chr6-7579699-G-C.
Other names: c.3276G>C, p.Ser1092= (NM_001008844.3, NM_001319034.2); c.3276G>C (NM_004415.3).
Identifiers: ClinVar variation 227341 (VCV000227341.22), dbSNP rs202057409, ClinGen allele CA037645.

ClinVar aggregate classification (germline): Benign/Likely benign. Review status: criteria provided, multiple submitters, no conflicts (2 of 4 stars). 7 submissions from 7 submitters: Benign (3); Likely benign (3). 1 of the submissions does not count toward it. Last evaluated 2025-12-08.

Conditions:
Arrhythmogenic right ventricular dysplasia 8 (ARVD8). Also called: Arrhythmogenic Right Ventricular Dysplasia/Cardiomyopathy 8; ARRHYTHMOGENIC RIGHT VENTRICULAR DYSPLASIA, FAMILIAL, 8; ARRHYTHMOGENIC RIGHT VENTRICULAR CARDIOMYOPATHY 8. Identifiers: MedGen C1843896, MONDO:0011831, OMIM 607450.
Arrhythmogenic cardiomyopathy with wooly hair and keratoderma. Also called: Carvajal syndrome; Dilated cardiomyopathy with woolly hair and keratoderma; Arrhythmogenic cardiomyopathy with woolly hair and keratoderma; PALMOPLANTAR KERATODERMA WITH LEFT VENTRICULAR CARDIOMYOPATHY AND WOOLLY HAIR. Identifiers: Orphanet 65282, MedGen C1854063, MONDO:0011581, OMIM 605676.
Cardiomyopathy (CMYO). Also called: Cardiomyopathies. Identifiers: Orphanet 167848, MedGen C0878544, MONDO:0004994, HP:0001638. Inheritance: Various modes of inheritance.
Cardiovascular phenotype. Identifiers: MedGen CN230736.
DSP-related disorder. Also called: DSP-related disorders; DSP-related condition.

Allele frequency attached by ClinVar (database versions not stated): TOPMed 0.00007.

Submissions (7):

Labcorp Genetics (formerly Invitae), Labcorp
Classification: Benign for Arrhythmogenic cardiomyopathy with wooly hair and keratoderma; Arrhythmogenic right ventricular dysplasia 8. Last evaluated: 2025-12-08. Review status: criteria provided, single submitter. Criteria: Invitae Variant Classification Sherloc (09022015). Collection method: clinical testing. Allele origin: germline.

All of Us Research Program, National Institutes of Health
Classification: Benign for Arrhythmogenic cardiomyopathy with wooly hair and keratoderma. Last evaluated: 2023-12-18. Review status: criteria provided, single submitter. Criteria: ACMG Guidelines, 2015. Collection method: clinical testing. Allele origin: germline. Inheritance: Autosomal dominant inheritance. Observed: 7 variant alleles, 7 heterozygotes.
Comment: This study involves interpretation of variants in research participants for the purpose of population health screening. Participant phenotype was not available at the time of variant classification. Additional details can be found in publication PMID: 35346344, PMCID: PMC8962531

Blueprint Genetics
Classification: Likely benign. Last evaluated: 2023-12-05. Review status: criteria provided, single submitter. Criteria: ACMG Guidelines, 2015. Collection method: clinical testing. Allele origin: germline.

Ambry Genetics
Classification: Likely benign for Cardiovascular phenotype. Last evaluated: 2023-02-17. Review status: criteria provided, single submitter. Criteria: Ambry Variant Classification Scheme 2023. Collection method: clinical testing. Allele origin: germline.

Color Diagnostics, LLC DBA Color Health
Classification: Benign for Cardiomyopathy. Last evaluated: 2019-07-15. Review status: criteria provided, single submitter. Criteria: ACMG Guidelines, 2015. Collection method: clinical testing. Allele origin: germline.

Laboratory for Molecular Medicine, Mass General Brigham Personalized Medicine
Classification: Likely benign. Last evaluated: 2015-12-10. Review status: criteria provided, single submitter. Criteria: LMM Criteria. Collection method: clinical testing. Allele origin: germline. Observed: 1 variant allele.
Comment: p.Ser1092Ser in exon 23 of DSP: This variant is not expected to have clinical si gnificance because it does not alter an amino acid residue and is not located wi thin the splice consensus sequence. It has been identified in 0.2% (14/8618) of East Asian chromosomes by the Exome Aggregation Consortium (ExAC;dbSNP rs202057409).

PreventionGenetics, part of Exact Sciences
Classification: Likely benign for DSP-related condition. Last evaluated: 2023-10-16. Review status: no assertion criteria provided. Collection method: clinical testing. Allele origin: germline. Not counted in ClinVar's aggregate classification.
Comment: This variant is classified as likely benign based on ACMG/AMP sequence variant interpretation guidelines (Richards et al. 2015 PMID: 25741868, with internal and published modifications).